The following is an entry in ClinVar:

ClinVar aggregate classification (germline): Uncertain significance. Review status: criteria provided, multiple submitters, no conflicts (2 of 4 stars). 2 submissions from 2 submitters: Uncertain significance (2). Last evaluated 2021-08-15.

Conditions:
Hereditary cancer-predisposing syndrome. Also called: Tumor predisposition; Hereditary neoplastic syndrome; Hereditary Cancer Syndrome; Neoplastic Syndromes, Hereditary. Identifiers: Orphanet 140162, MedGen C0027672, MeSH D009386, MONDO:0015356.

Allele frequency attached by ClinVar (database versions not stated): gnomAD exomes below 0.00001.
gnomAD v4.1: 3 of 1,614,084 alleles (0.00019%); highest among the groups gnomAD compares: Non-Finnish European, 0.00025%; no homozygotes.

Submissions (2):

Ambry Genetics
Classification: Uncertain significance for Hereditary cancer-predisposing syndrome. Last evaluated: 2021-08-15. Review status: criteria provided, single submitter. Criteria: Ambry Variant Classification Scheme 2023. Collection method: clinical testing. Allele origin: germline.
Comment: The p.T1785I variant (also known as c.5354C>T), located in coding exon 39 of the POLE gene, results from a C to T substitution at nucleotide position 5354. The threonine at codon 1785 is replaced by isoleucine, an amino acid with similar properties. This amino acid position is conserved. In addition, this alteration is predicted to be tolerated by in silico analysis. Since supporting evidence is limited at this time, the clinical significance of this alteration remains unclear.

Women's Health and Genetics/Laboratory Corporation of America, LabCorp
Classification: Uncertain significance. Last evaluated: 2021-05-10. Review status: criteria provided, single submitter. Criteria: LabCorp Variant Classification Summary - May 2015. Collection method: clinical testing. Allele origin: germline.
Comment: Variant summary: POLE c.5354C>T (p.Thr1785Ile) results in a non-conservative amino acid change located in the C-terminal domain (IPR013697) of the encoded protein sequence. Three of five in-silico tools predict a benign effect of the variant on protein function. The variant was absent in 251120 control chromosomes (gnomAD). The available data on variant occurrences in the general population are insufficient to allow any conclusion about variant significance. To our knowledge, no occurrence of c.5354C>T in individuals affected with Colorectal Cancer and no experimental evidence demonstrating its impact on protein function have been reported. No clinical diagnostic laboratories have submitted clinical-significance assessments for this variant to ClinVar after 2014. Based on the evidence outlined above, the variant was classified as uncertain significance.

NM_006231.4(POLE):c.5354C>T (p.Thr1785Ile)

Gene: POLE (DNA polymerase epsilon, catalytic subunit; minus strand). Cytogenetic location: 12q24.33.
Variant type: single nucleotide variant.
Coding change: c.5354C>T on transcript NM_006231.4 (MANE Select); coding-DNA position 5354, C replaced by T.
Protein change: p.Thr1785Ile; replaces threonine 1785 with isoleucine.
Molecular consequence: missense variant.
Genome position (GRCh38, 1-based): chr12:132,641,671, G>A on the plus strand (C>T on the coding strand, the complement: POLE is on the minus strand). VCF-style: chr12-132641671-G-A. GRCh37 (hg19) VCF-style: chr12-133218257-G-A.
Other names: short protein forms T1785I.
Identifiers: ClinVar variation 1098768 (VCV001098768.3), dbSNP rs1269441689, ClinGen allele CA387375758.